The following is an entry in ClinVar:

ClinVar aggregate classification (germline): Uncertain significance. Review status: criteria provided, multiple submitters, no conflicts (2 of 4 stars). 2 submissions from 2 submitters: Uncertain significance (2). Last evaluated 2024-03-26.

Conditions:
Periodontitis, aggressive. Identifiers: MedGen C0031106, MONDO:0980757.
Papillon-Lefèvre syndrome (PALS). Also called: KERATOSIS PALMOPLANTARIS WITH PERIODONTOPATHIA; Papillon-Lefevre Disease. Identifiers: Orphanet 678, MedGen C0030360, MONDO:0009490, OMIM 245000.
Haim-Munk syndrome (HMS). Also called: COCHIN JEWISH DISORDER; KERATOSIS PALMOPLANTARIS WITH PERIODONTOPATHIA AND ONYCHOGRYPOSIS. Identifiers: Orphanet 2342, MedGen C1855627, MONDO:0009491, OMIM 245010.

Submissions (2):

Labcorp Genetics (formerly Invitae), Labcorp
Classification: Uncertain significance for Haim-Munk syndrome; Periodontitis, aggressive; Papillon-Lefèvre syndrome. Last evaluated: 2024-03-26. Review status: criteria provided, single submitter. Criteria: Invitae Variant Classification Sherloc (09022015). Collection method: clinical testing. Allele origin: germline.
Comment: This sequence change replaces valine, which is neutral and non-polar, with glycine, which is neutral and non-polar, at codon 317 of the CTSC protein (p.Val317Gly). This variant is not present in population databases (gnomAD no frequency). This missense change has been observed in individual(s) with CTSC-related conditions (Invitae). In at least one individual the data is consistent with being in trans (on the opposite chromosome) from a pathogenic variant. ClinVar contains an entry for this variant (Variation ID: 1494465). Advanced modeling of protein sequence and biophysical properties (such as structural, functional, and spatial information, amino acid conservation, physicochemical variation, residue mobility, and thermodynamic stability) performed at Invitae indicates that this missense variant is expected to disrupt CTSC protein function with a positive predictive value of 80%. In summary, the available evidence is currently insufficient to determine the role of this variant in disease. Therefore, it has been classified as a Variant of Uncertain Significance.

ARUP Laboratories, Molecular Genetics and Genomics, ARUP Laboratories
Classification: Uncertain significance. Review status: criteria provided, single submitter. Criteria: ARUP Molecular Germline Variant Investigation Process 2024. Collection method: clinical testing. Allele origin: germline.

NM_001814.6(CTSC):c.950T>G (p.Val317Gly)

Gene: CTSC (cathepsin C; minus strand). Cytogenetic location: 11q14.2.
Variant type: single nucleotide variant.
Coding change: c.950T>G on transcript NM_001814.6 (MANE Select); coding-DNA position 950, T replaced by G.
Protein change: p.Val317Gly; replaces valine 317 with glycine.
Molecular consequence: missense variant.
Genome position (GRCh38, 1-based): chr11:88,294,448, A>C on the plus strand (T>G on the coding strand, the complement: CTSC is on the minus strand). VCF-style: chr11-88294448-A-C. GRCh37 (hg19) VCF-style: chr11-88027616-A-C.
Other names: short protein forms V317G.
Identifiers: ClinVar variation 1494465 (VCV001494465.7), dbSNP rs2496529949, ClinGen allele CA382022210.
Genomic context (GRCh38, chr11:88,294,448, plus strand): 5'-CAGTCTTCCTTCATTTTGCATGGAGAATCAGTGCCTGTGTAGGGGAAGCAAGCTTCTTCC[A>C]CCAGCCCAAAATCTTGGGCGTACTTTCCTGCAATAAGGTATGGGAAGCCGCCTTCACAGC-3'
Protein context (NP_001805.4, residues 307-327): AGKYAQDFGL[Val317Gly]EEACFPYTGT